The following is an entry in ClinVar:

NM_031407.7(HUWE1):c.8751-11A>G

Gene: HUWE1 (HECT, UBA and WWE domain containing E3 ubiquitin protein ligase 1; minus strand). Cytogenetic location: Xp11.22.
Variant type: single nucleotide variant.
Coding change: c.8751-11A>G on transcript NM_031407.7 (MANE Select); 11 bases into the intron before coding-DNA position 8751, A replaced by G.
Molecular consequence: intron variant.
Genome position (GRCh38, 1-based): chrX:53,552,452, T>C on the plus strand (A>G on the coding strand, the complement: HUWE1 is on the minus strand). VCF-style: chrX-53552452-T-C. GRCh37 (hg19) VCF-style: chrX-53579413-T-C.
Identifiers: ClinVar variation 1305327 (VCV001305327.2), dbSNP rs2061804195, ClinGen allele CA2429875544.

ClinVar aggregate classification (germline): Uncertain significance (1 of 4 stars; one submission).

Submission:

GeneDx
Classification: Uncertain significance. Last evaluated: 2019-04-25. Review status: criteria provided, single submitter. Criteria: GeneDx Variant Classification Process June 2021. Collection method: clinical testing. Allele origin: germline. Affected: yes.
Comment: Has not been previously published as pathogenic or benign to our knowledge; Not observed in large population cohorts (Lek et al., 2016); In-silico analysis, which includes splice predictors and evolutionary conservation, is inconclusive as to whether the variant alters gene splicing. In the absence of RNA/functional studies, the actual effect of this sequence change is unknown.